The following is an entry in ClinVar:

ClinVar aggregate classification (germline): Pathogenic (3 of 4 stars; one submission).

Conditions:
Mucopolysaccharidosis type 1. Also called: IDUA deficiency; MPS I. Identifiers: Orphanet 579, MedGen C0023786, MONDO:0001586.

Submission:

ClinGen Lysosomal Storage Disorder Variant Curation Expert Panel
Classification: Pathogenic for Mucopolysaccharidosis type 1. Last evaluated: 2025-12-15. Review status: reviewed by expert panel. Criteria: ClinGen LSD ACMG Specifications IDUA V1.1.0. Collection method: curation. Allele origin: germline. Inheritance: Autosomal recessive inheritance.
Comment: The NM_000203.5:c.1727+2T>G variant in IDUA occurs within the canonical splice donor site of intron 13. The authors state that the variant "was further analyzed on the transcript level" and that the variant resulted in the inclusion of 4 intronic nucleotides at the donor splice site, leading to a frameshift and premature stop codon (p.Cys577GlyfsTer15, predicted to undergo nonsense-mediated decay). No further details are provided (PVS1). One patient has been reported with elevated urine dermatan sulfate and heparan sulfate (values not provided), deficient IDUA activity in leukocytes (value not provided), and clinical features consistent with MPS I and reduced GAGs with improved clinical symptoms when with ERT (PMID: 19396826). This individual is compound heterozygous for the variant and c.979G>C (p.Ala327Pro); phase unconfirmed (PMID: 19396826). The allelic data from this patient will be used for the classification of the missense variant and is not included here to avoid circular logic. This variant is absent in gnomAD v4.1.0. (PM2_Supporting). Other variants in the same splice region have been identified in patients with MPS I, including c.1727+1G>A, c.1727+4C>T, c.1727+5G>C, c.1727+6T>A, See Table 1 in PMID: 21394825) (PS1 not applied at any strength because the classification of the variant under assessment will be used to support the classification of the other variants in this slice region). In summary, this variant meets the criteria to be classified as pathogenic for mucopolysaccharidosis type I. IDUA-specific ACMG/AMP criteria applied, as specified by the ClinGen Lysosomal Diseases Variant Curation Expert Panel (Specifications Version 1.1.0): PVS1, PP4, PM2_Supporting (Classification approved by the ClinGen Lysosomal Diseases Variant Curation Expert Panel on December 15, 2025)

NM_000203.5(IDUA):c.1727+2T>G

Gene: IDUA (alpha-L-iduronidase; plus strand). Cytogenetic location: 4p16.3.
Variant type: single nucleotide variant.
Coding change: c.1727+2T>G on transcript NM_000203.5 (MANE Select); the canonical splice donor site of the intron after coding-DNA position 1727, T replaced by G.
Molecular consequence: splice donor variant. On other transcripts: non-coding transcript variant (1).
Genome position (GRCh38, 1-based): chr4:1,003,627, T>G. VCF-style: chr4-1003627-T-G. GRCh37 (hg19) VCF-style: chr4-997415-T-G.
Other names: NM_001363576.1:c.1331+2T>G; c.1331+2T>G (NM_001363576.1).
Identifiers: ClinVar variation 4539819 (VCV004539819.1).
Genomic context (GRCh38, chr4:1,003,627, plus strand): 5'-CTGCCCCTGACCCAAGGGCAGCTGGTTCTGGTCTGGTCGGATGAACACGTGGGCTCCAAG[T>G]GCGTGAGTGGGGCCGCCCCTCCCTCTGCCTGGTCCTAGGCAGGTCCCTGGGTCCCGACCC-3'